The following is an entry in ClinVar:

ClinVar aggregate classification (germline): Uncertain significance (1 of 4 stars; one submission).

Conditions:
Developmental and epileptic encephalopathy 94 (DEE94). Also called: CHD2-Related Neurodevelopmental Disorders; Epileptic encephalopathy, childhood-onset. Identifiers: Orphanet 1942, Orphanet 2382, MedGen C3809278, MONDO:0014150, OMIM 615369.

Allele frequency attached by ClinVar (database versions not stated): TOPMed below 0.00001; ExAC 0.00001; gnomAD exomes 0.00002.
gnomAD v4.1: 31 of 1,614,022 alleles (0.0019%); highest among the groups gnomAD compares: East Asian, 0.0045%; no homozygotes.

Submission:

Labcorp Genetics (formerly Invitae), Labcorp
Classification: Uncertain significance for Developmental and epileptic encephalopathy 94. Last evaluated: 2024-11-28. Review status: criteria provided, single submitter. Criteria: Invitae Variant Classification Sherloc (09022015). Collection method: clinical testing. Allele origin: germline.
Comment: This sequence change replaces arginine, which is basic and polar, with histidine, which is basic and polar, at codon 1685 of the CHD2 protein (p.Arg1685His). This variant is present in population databases (rs749360780, gnomAD 0.006%). This missense change has been observed in individual(s) with clinical features of CHD2-related conditions (PMID: 27824329, 33004838). ClinVar contains an entry for this variant (Variation ID: 1374563). Invitae Evidence Modeling of protein sequence and biophysical properties (such as structural, functional, and spatial information, amino acid conservation, physicochemical variation, residue mobility, and thermodynamic stability) indicates that this missense variant is not expected to disrupt CHD2 protein function with a negative predictive value of 95%. In summary, the available evidence is currently insufficient to determine the role of this variant in disease. Therefore, it has been classified as a Variant of Uncertain Significance.

Literature cited by the submitters: PubMed 27824329; PubMed 33004838.

NM_001271.4(CHD2):c.5054G>A (p.Arg1685His)

Gene: CHD2 (chromodomain helicase DNA binding protein 2; plus strand). Cytogenetic location: 15q26.1.
Variant type: single nucleotide variant.
Coding change: c.5054G>A on transcript NM_001271.4 (MANE Select); coding-DNA position 5054, G replaced by A.
Protein change: p.Arg1685His; replaces arginine 1685 with histidine.
Molecular consequence: missense variant.
Genome position (GRCh38, 1-based): chr15:93,020,159, G>A. VCF-style: chr15-93020159-G-A. GRCh37 (hg19) VCF-style: chr15-93563389-G-A.
Other names: short protein forms R1685H.
Identifiers: ClinVar variation 1374563 (VCV001374563.6), dbSNP rs749360780, ClinGen allele CA7748636.